The following is an entry in ClinVar:

NM_130839.5(UBE3A):c.2547_2614del (p.Ser850fs)

Genes: SNHG14 (small nucleolar RNA host gene 14; plus strand), UBE3A (ubiquitin protein ligase E3A; minus strand). Cytogenetic location: 15q11.2.
Variant type: Deletion.
Coding change: c.2547_2614del on transcript NM_130839.5 (MANE Select); coding-DNA positions 2547 to 2614, 68 bases deleted.
Protein change: p.Ser850fs; shifts the reading frame from serine 850.
Molecular consequence: frameshift variant. On other transcripts: non-coding transcript variant (1).
Genome position (GRCh38, 1-based): chr15:25,339,142-25,339,209, 68 bases deleted. GRCh37 (hg19): chr15:25,584,289-25,584,356.
Other names: c.2556_2623del, p.Ser853fs (NM_000462.5); c.2547_2614del, p.Ser850fs (NM_001354505.1, NM_001354538.2); c.2487_2554del, p.Ser830fs (NM_001354506.2, NM_001354507.2, NM_001354508.2 and 14 more transcripts); c.2391_2458del, p.Ser798fs (NM_001354545.2); c.2370_2437del, p.Ser791fs (NM_001354546.2); c.2331_2398del, p.Ser778fs (NM_001354547.2, NM_001354548.2); c.2322_2389del, p.Ser775fs (NM_001354549.2); c.1296_1363del, p.Ser433fs (NM_001354550.2); and 1 more; short protein forms S775fs, S778fs, S830fs, S850fs, S413fs, S433fs, S791fs, S853fs.
Identifiers: ClinVar variation 155980 (VCV000155980.1), dbSNP rs1555379684, ClinGen allele CA333359.

ClinVar aggregate classification (germline): Pathogenic (0 of 4 stars; one submission).

Conditions:
Angelman syndrome (AS). Also called: HAPPY PUPPET SYNDROME. Identifiers: Orphanet 72, MedGen C0162635, MONDO:0007113, OMIM 105830. Disease mechanism: loss of function. Inheritance: AS is caused by disruption of maternally imprinted UBE3A located within the 15q11.2-q13 Angelman syndrome/Prader-Willi syndrome (AS/PWS) region., imprinting disorder.

Submission:

Baylor Genetics
Classification: Pathogenic for Angelman Syndrome. Last evaluated: 2014-02-14. Review status: no assertion criteria provided. Collection method: clinical testing. Allele origin: germline. Affected: yes. Observed: 1 variant allele. Study: UBE3A Mutation Study.
Comment: Data collected from clinical UBE3A sequence analysis results

Literature cited by the submitters: PubMed 25212744.